The following is an entry in ClinVar:

NM_001845.6(COL4A1):c.1450C>G (p.Pro484Ala)

Gene: COL4A1 (collagen type IV alpha 1 chain; minus strand). Cytogenetic location: 13q34.
Variant type: single nucleotide variant.
Coding change: c.1450C>G on transcript NM_001845.6 (MANE Select); coding-DNA position 1450, C replaced by G.
Protein change: p.Pro484Ala; replaces proline 484 with alanine.
Molecular consequence: missense variant.
Genome position (GRCh38, 1-based): chr13:110,192,845, G>C on the plus strand (C>G on the coding strand, the complement: COL4A1 is on the minus strand). VCF-style: chr13-110192845-G-C. GRCh37 (hg19) VCF-style: chr13-110845192-G-C.
Other names: c.1450C>G, p.Pro484Ala (NM_001303110.2); short protein forms P484A.
Identifiers: ClinVar variation 2876855 (VCV002876855.3), dbSNP rs762408881, ClinGen allele CA388723498.

ClinVar aggregate classification (germline): Uncertain significance (1 of 4 stars; one submission).

gnomAD v4.1: 6 of 1,613,924 alleles (0.00037%); highest among the groups gnomAD compares: Non-Finnish European, 0.00042%; no homozygotes.

Submission:

Labcorp Genetics (formerly Invitae), Labcorp
Classification: Uncertain significance. Last evaluated: 2023-11-20. Review status: criteria provided, single submitter. Criteria: Invitae Variant Classification Sherloc (09022015). Collection method: clinical testing. Allele origin: germline.
Comment: This sequence change replaces proline, which is neutral and non-polar, with alanine, which is neutral and non-polar, at codon 484 of the COL4A1 protein (p.Pro484Ala). This variant is not present in population databases (gnomAD no frequency). This variant has not been reported in the literature in individuals affected with COL4A1-related conditions. Advanced modeling of protein sequence and biophysical properties (such as structural, functional, and spatial information, amino acid conservation, physicochemical variation, residue mobility, and thermodynamic stability) performed at Invitae indicates that this missense variant is not expected to disrupt COL4A1 protein function with a negative predictive value of 95%. In summary, the available evidence is currently insufficient to determine the role of this variant in disease. Therefore, it has been classified as a Variant of Uncertain Significance.